The following is an entry in ClinVar:

ClinVar aggregate classification (germline): Uncertain significance (1 of 4 stars; one submission).

Submission:

Labcorp Genetics (formerly Invitae), Labcorp
Classification: Uncertain significance. Last evaluated: 2022-08-20. Review status: criteria provided, single submitter. Criteria: Invitae Variant Classification Sherloc (09022015). Collection method: clinical testing. Allele origin: germline.
Comment: In summary, the available evidence is currently insufficient to determine the role of this variant in disease. Therefore, it has been classified as a Variant of Uncertain Significance. This sequence change replaces proline, which is neutral and non-polar, with arginine, which is basic and polar, at codon 291 of the TULP1 protein (p.Pro291Arg). This variant is not present in population databases (gnomAD no frequency). This variant has not been reported in the literature in individuals affected with TULP1-related conditions. Algorithms developed to predict the effect of missense changes on protein structure and function are either unavailable or do not agree on the potential impact of this missense change (SIFT: "Not Available"; PolyPhen-2: "Possibly Damaging"; Align-GVGD: "Not Available").

NM_003322.6(TULP1):c.872C>G (p.Pro291Arg)

Gene: TULP1 (TUB like protein 1; minus strand). Cytogenetic location: 6p21.31.
Variant type: single nucleotide variant.
Coding change: c.872C>G on transcript NM_003322.6 (MANE Select); coding-DNA position 872, C replaced by G.
Protein change: p.Pro291Arg; replaces proline 291 with arginine.
Molecular consequence: missense variant.
Genome position (GRCh38, 1-based): chr6:35,506,130, G>C on the plus strand (C>G on the coding strand, the complement: TULP1 is on the minus strand). VCF-style: chr6-35506130-G-C. GRCh37 (hg19) VCF-style: chr6-35473907-G-C.
Other names: c.713C>G, p.Pro238Arg (NM_001289395.2); short protein forms P238R, P291R.
Identifiers: ClinVar variation 1717041 (VCV001717041.5), dbSNP rs2533796304, ClinGen allele CA363780383.